The following is an entry in ClinVar:

NM_018427.5(RRN3):c.120C>T (p.Asp40=)

Genes: PDXDC1 (pyridoxal dependent decarboxylase domain containing 1), RRN3 (RNA polymerase I transcription factor RRN3). Cytogenetic location: 16p13.11.
Variant type: single nucleotide variant.
Coding change: c.120C>T on transcript NM_018427.5 (MANE Select); coding-DNA position 120, C replaced by T.
Protein change: p.Asp40=; no amino-acid change (aspartic acid 40 retained).
Molecular consequence: synonymous variant. On other transcripts: intron variant (3).
Genome position (GRCh38, 1-based): chr16:15,092,584, G>A on the plus strand (C>T on the coding strand, the complement: RRN3 is on the minus strand). VCF-style: chr16-15092584-G-A. GRCh37 (hg19) VCF-style: chr16-15186441-G-A.
Other names: c.120C>T, p.Asp40= (NM_001301064.1); c.1400-46295G>A (NM_001285449.2); c.1319-46295G>A (NM_001324021.2); c.1397-46295G>A (NM_001324020.2).
Identifiers: ClinVar variation 5038465 (VCV005038465.1).

ClinVar aggregate classification (germline): Likely benign (1 of 4 stars; one submission).

Submission:

CeGaT Center for Human Genetics Tuebingen
Classification: Likely benign. Last evaluated: 2026-06-01. Review status: criteria provided, single submitter. Criteria: CeGaT Center For Human Genetics Tuebingen Variant Classification Criteria Version 2. Collection method: clinical testing. Allele origin: germline. Affected: yes. Observed: 1 variant allele.
Comment: RRN3: PM2:Supporting, BP4, BP7